The following is an entry in ClinVar:

NM_003098.3(SNTA1):c.935C>G (p.Thr312Ser)

Gene: SNTA1 (syntrophin alpha 1; minus strand). Cytogenetic location: 20q11.21.
Variant type: single nucleotide variant.
Coding change: c.935C>G on transcript NM_003098.3 (MANE Select); coding-DNA position 935, C replaced by G.
Protein change: p.Thr312Ser; replaces threonine 312 with serine.
Molecular consequence: missense variant.
Genome position (GRCh38, 1-based): chr20:33,412,401, G>C on the plus strand (C>G on the coding strand, the complement: SNTA1 is on the minus strand). VCF-style: chr20-33412401-G-C. GRCh37 (hg19) VCF-style: chr20-32000207-G-C.
Other names: c.935C>G, p.Thr312Ser (NM_001424413.1, NM_001424414.1); short protein forms T312S.
Identifiers: ClinVar variation 3607178 (VCV003607178.2).
Genomic context (GRCh38, chr20:33,412,401, plus strand): 5'-TCGCGGGTCTCGGGGAGAGACAAGTAGAGGAGCAGTTCCTTTTCAGTTAGCAGGGCCAGG[G>C]TGGGGGCTGTGCCCCCACTGGGCAGCTGCAGAGAACAAAACAGCAGTGAGGATGGGTGGG-3'
Protein context (NP_003089.1, residues 302-322): EQLPSGGTAP[Thr312Ser]LALLTEKELL

ClinVar aggregate classification (germline): Uncertain significance (1 of 4 stars; one submission).

Conditions:
Long QT syndrome (LQTS). Identifiers: MedGen C0023976, MeSH D008133, MONDO:0002442. Disease mechanism: loss of function. Inheritance: Various modes of inheritance.

Submission:

Labcorp Genetics (formerly Invitae), Labcorp
Classification: Uncertain significance for Long QT syndrome. Last evaluated: 2024-12-23. Review status: criteria provided, single submitter. Criteria: Invitae Variant Classification Sherloc (09022015). Collection method: clinical testing. Allele origin: germline.
Comment: This sequence change replaces threonine, which is neutral and polar, with serine, which is neutral and polar, at codon 312 of the SNTA1 protein (p.Thr312Ser). This variant is not present in population databases (gnomAD no frequency). This variant has not been reported in the literature in individuals affected with SNTA1-related conditions. Invitae Evidence Modeling of protein sequence and biophysical properties (such as structural, functional, and spatial information, amino acid conservation, physicochemical variation, residue mobility, and thermodynamic stability) indicates that this missense variant is not expected to disrupt SNTA1 protein function with a negative predictive value of 80%. In summary, the available evidence is currently insufficient to determine the role of this variant in disease. Therefore, it has been classified as a Variant of Uncertain Significance.